The following is an entry in ClinVar:

ClinVar aggregate classification (germline): Uncertain significance (1 of 4 stars; one submission).

Allele frequency attached by ClinVar (database versions not stated): gnomAD exomes below 0.00001; ExAC 0.00002.
gnomAD v4.1: 3 of 1,610,754 alleles (0.00019%); highest among the groups gnomAD compares: South Asian, 0.0033%; no homozygotes.

Submission:

Ambry Genetics
Classification: Uncertain significance. Last evaluated: 2021-12-14. Review status: criteria provided, single submitter. Criteria: Ambry Variant Classification Scheme 2023. Collection method: clinical testing. Allele origin: germline.
Comment: The p.T277A variant (also known as c.829A>G), located in coding exon 6 of the BUB3 gene, results from an A to G substitution at nucleotide position 829. The threonine at codon 277 is replaced by alanine, an amino acid with similar properties. This amino acid position is conserved. In addition, the in silico prediction for this alteration is inconclusive. Since supporting evidence is limited at this time, the clinical significance of this alteration remains unclear.

NM_004725.4(BUB3):c.829A>G (p.Thr277Ala)

Gene: BUB3 (BUB3 mitotic checkpoint protein; plus strand). Cytogenetic location: 10q26.13.
Variant type: single nucleotide variant.
Coding change: c.829A>G on transcript NM_004725.4 (MANE Select); coding-DNA position 829, A replaced by G.
Protein change: p.Thr277Ala; replaces threonine 277 with alanine.
Molecular consequence: missense variant.
Genome position (GRCh38, 1-based): chr10:123,162,686, A>G. VCF-style: chr10-123162686-A-G. GRCh37 (hg19) VCF-style: chr10-124922202-A-G.
Other names: c.829A>G, p.Thr277Ala (NM_001007793.3); short protein forms T277A.
Identifiers: ClinVar variation 1762785 (VCV001762785.2), dbSNP rs770812400, ClinGen allele CA5731665.